The following is an entry in ClinVar:

ClinVar aggregate classification (germline): Uncertain significance. Review status: criteria provided, multiple submitters, no conflicts (2 of 4 stars). 2 submissions from 2 submitters: Uncertain significance (2). Last evaluated 2024-08-14.

Conditions:
Inborn genetic diseases. Identifiers: MedGen C0950123, MeSH D030342.

Allele frequency attached by ClinVar (database versions not stated): gnomAD exomes below 0.00001; gnomAD 0.00002; TOPMed 0.00002.

Submissions (2):

Ambry Genetics
Classification: Uncertain significance for Inborn genetic diseases. Last evaluated: 2024-08-14. Review status: criteria provided, single submitter. Criteria: Ambry Variant Classification Scheme 2023. Collection method: clinical testing. Allele origin: germline.

Labcorp Genetics (formerly Invitae), Labcorp
Classification: Uncertain significance. Last evaluated: 2022-10-13. Review status: criteria provided, single submitter. Criteria: Invitae Variant Classification Sherloc (09022015). Collection method: clinical testing. Allele origin: germline.
Comment: In summary, the available evidence is currently insufficient to determine the role of this variant in disease. Therefore, it has been classified as a Variant of Uncertain Significance. Advanced modeling of protein sequence and biophysical properties (such as structural, functional, and spatial information, amino acid conservation, physicochemical variation, residue mobility, and thermodynamic stability) performed at Invitae indicates that this missense variant is not expected to disrupt SRCAP protein function. This variant has not been reported in the literature in individuals affected with SRCAP-related conditions. This variant is present in population databases (no rsID available, gnomAD 0.02%). This sequence change replaces leucine, which is neutral and non-polar, with valine, which is neutral and non-polar, at codon 2527 of the SRCAP protein (p.Leu2527Val).

NM_006662.3(SRCAP):c.7579C>G (p.Leu2527Val)

Gene: SRCAP (Snf2 related CREBBP activator protein; plus strand). Cytogenetic location: 16p11.2.
Variant type: single nucleotide variant.
Coding change: c.7579C>G on transcript NM_006662.3 (MANE Select); coding-DNA position 7579, C replaced by G.
Protein change: p.Leu2527Val; replaces leucine 2527 with valine.
Molecular consequence: missense variant.
Genome position (GRCh38, 1-based): chr16:30,737,619, C>G. VCF-style: chr16-30737619-C-G. GRCh37 (hg19) VCF-style: chr16-30748940-C-G.
Other names: c.7579C>G (NM_006662.2); short protein forms L2527V.
Identifiers: ClinVar variation 2142417 (VCV002142417.5), dbSNP rs1264563398, ClinGen allele CA395633666.